The following is an entry in ClinVar:

ClinVar aggregate classification (germline): Likely benign (1 of 4 stars; one submission).

Allele frequency attached by ClinVar (database versions not stated): ExAC 0.00084; 1000 Genomes Project 0.00180; 1000 Genomes Project 30x 0.00187; ESP Exome Variant Server 0.00238; gnomAD 0.00238; TOPMed 0.00285.
gnomAD v4.1: 749 of 1,603,068 alleles (0.047%); highest among the groups gnomAD compares: African/African-American, 0.86%; 10 homozygotes.

Submission:

CeGaT Center for Human Genetics Tuebingen
Classification: Likely benign. Last evaluated: 2023-01-01. Review status: criteria provided, single submitter. Criteria: CeGaT Center For Human Genetics Tuebingen Variant Classification Criteria Version 2. Collection method: clinical testing. Allele origin: germline. Affected: yes. Observed: 1 variant allele.
Comment: MCOLN1: BS2

NM_020533.3(MCOLN1):c.*45C>A

Gene: MCOLN1 (mucolipin TRP cation channel 1; plus strand). Cytogenetic location: 19p13.2.
Variant type: single nucleotide variant.
Coding change: c.*45C>A on transcript NM_020533.3 (MANE Select); 45 bases downstream of the stop codon, C replaced by A.
Molecular consequence: 3 prime UTR variant.
Genome position (GRCh38, 1-based): chr19:7,533,840, C>A. VCF-style: chr19-7533840-C-A. GRCh37 (hg19) VCF-style: chr19-7598726-C-A.
Identifiers: ClinVar variation 2649163 (VCV002649163.24), dbSNP rs143176884, ClinGen allele CA9139263.
Genomic context (GRCh38, chr19:7,533,840, plus strand): 5'-GCTGCTGGTGAATTGATTCGACCTGACTGCCGTTGGACCGTAGGCCCTGGACTGCAGAGA[C>A]CCCCGCCCCCGACCCCGCTTATTTATTTGTAGGGTTTGCTTTTAAGGATCGGCTCCCTGT-3'